The following is an entry in ClinVar:

ClinVar aggregate classification (germline): Uncertain significance (1 of 4 stars; one submission).

Allele frequency attached by ClinVar (database versions not stated): gnomAD exomes below 0.00001.
gnomAD v4.1: 5 of 1,614,154 alleles (0.00031%); highest among the groups gnomAD compares: East Asian, 0.0022%; no homozygotes.

Submission:

GeneDx
Classification: Uncertain significance. Last evaluated: 2017-12-14. Review status: criteria provided, single submitter. Criteria: GeneDx Variant Classification (06012015). Collection method: clinical testing. Allele origin: germline. Affected: yes.
Comment: The Q714X variant of uncertain significance in the MIB1 gene has not been published as pathogenic or benign to our knowledge. This variant is not observed in large population cohorts (Lek et al., 2016). In addition, Q714X is predicted to cause loss of normal protein function either by protein truncation or nonsense-mediated mRNA decay. Nevertheless, only one other truncating variant in the MIB1 gene have been reported in Human Gene Mutation Database in association with cardiomyopathy (Stenson et al., 2014).Therefore, additional evidence is needed to determine whether this variant is pathogenic or benign.

NM_020774.4(MIB1):c.2140C>T (p.Gln714Ter)

Gene: MIB1 (MIB E3 ubiquitin protein ligase 1; plus strand). Cytogenetic location: 18q11.2.
Variant type: single nucleotide variant.
Coding change: c.2140C>T on transcript NM_020774.4 (MANE Select); coding-DNA position 2140, C replaced by T.
Protein change: p.Gln714Ter; replaces glutamine 714 with a stop codon.
Molecular consequence: nonsense.
Genome position (GRCh38, 1-based): chr18:21,844,182, C>T. VCF-style: chr18-21844182-C-T. GRCh37 (hg19) VCF-style: chr18-19424143-C-T.
Other names: short protein forms Q714*.
Identifiers: ClinVar variation 489253 (VCV000489253.2), dbSNP rs1555696015, ClinGen allele CA401795076.